The following is an entry in ClinVar:

ClinVar aggregate classification (germline): Likely pathogenic (1 of 4 stars; one submission).

Submission:

Labcorp Genetics (formerly Invitae), Labcorp
Classification: Likely pathogenic. Last evaluated: 2022-08-07. Review status: criteria provided, single submitter. Criteria: Invitae Variant Classification Sherloc (09022015). Collection method: clinical testing. Allele origin: germline.
Comment: Advanced modeling of protein sequence and biophysical properties (such as structural, functional, and spatial information, amino acid conservation, physicochemical variation, residue mobility, and thermodynamic stability) performed at Invitae indicates that this missense variant is expected to disrupt CYP11B1 protein function. This variant has not been reported in the literature in individuals affected with CYP11B1-related conditions. This variant is not present in population databases (gnomAD no frequency). This sequence change replaces arginine, which is basic and polar, with proline, which is neutral and non-polar, at codon 332 of the CYP11B1 protein (p.Arg332Pro). This variant disrupts the p.Arg332 amino acid residue in CYP11B1. Other variant(s) that disrupt this residue have been determined to be pathogenic (PMID: 24022297). This suggests that this residue is clinically significant, and that variants that disrupt this residue are likely to be disease-causing. In summary, the currently available evidence indicates that the variant is pathogenic, but additional data are needed to prove that conclusively. Therefore, this variant has been classified as Likely Pathogenic.

Literature cited by the submitters: PubMed 24022297.

NM_000497.4(CYP11B1):c.995G>C (p.Arg332Pro)

Genes: CYP11B1 (cytochrome P450 family 11 subfamily B member 1; minus strand), LOC106799833 (CYP11B1 recombination region; plus strand). Cytogenetic location: 8q24.3.
Variant type: single nucleotide variant.
Coding change: c.995G>C on transcript NM_000497.4 (MANE Select); coding-DNA position 995, G replaced by C.
Protein change: p.Arg332Pro; replaces arginine 332 with proline.
Molecular consequence: missense variant.
Genome position (GRCh38, 1-based): chr8:142,875,838, C>G on the plus strand (G>C on the coding strand, the complement: CYP11B1 is on the minus strand). VCF-style: chr8-142875838-C-G. GRCh37 (hg19) VCF-style: chr8-143957254-C-G.
Other names: c.995G>C, p.Arg332Pro (NM_001026213.1); short protein forms R332P.
Identifiers: ClinVar variation 2022401 (VCV002022401.4), dbSNP rs149881706, ClinGen allele CA372394350.
Genomic context (GRCh38, chr8:142,875,838, plus strand): 5'-CTGATGCTGGCTGCGGCGGCCAGGCTCTCCTGGCGCAGGGCCTGCTGCACGTTGGGGTTC[C>G]GAGCCAGCTCAAAGAGCGTCATCAGCAAGGGAAACACCGTCTGCAGGAGACACAGCTGCA-3'
Protein context (NP_000488.3, residues 322-342): PLLMTLFELA[Arg332Pro]NPNVQQALRQ